The following is an entry in ClinVar:

ClinVar aggregate classification (germline): Uncertain significance (1 of 4 stars; one submission).

Conditions:
Emery-Dreifuss muscular dystrophy 5, autosomal dominant (EDMD5). Also called: EMERY-DREIFUSS MUSCULAR DYSTROPHY 5. Identifiers: Orphanet 261, MedGen C2751805, MONDO:0013072, OMIM 612999.

Allele frequency attached by ClinVar (database versions not stated): gnomAD exomes below 0.00001.
gnomAD v4.1: 1 of 1,610,850 alleles (0.000062%); highest among the groups gnomAD compares: Non-Finnish European, 0.000085%; no homozygotes.

Submission:

Labcorp Genetics (formerly Invitae), Labcorp
Classification: Uncertain significance for Emery-Dreifuss muscular dystrophy 5, autosomal dominant. Last evaluated: 2022-07-22. Review status: criteria provided, single submitter. Criteria: Invitae Variant Classification Sherloc (09022015). Collection method: clinical testing. Allele origin: germline.
Comment: In summary, the available evidence is currently insufficient to determine the role of this variant in disease. Therefore, it has been classified as a Variant of Uncertain Significance. Algorithms developed to predict the effect of missense changes on protein structure and function output the following: SIFT: "Tolerated"; PolyPhen-2: "Benign"; Align-GVGD: "Class C0". The leucine amino acid residue is found in multiple mammalian species, which suggests that this missense change does not adversely affect protein function. This variant has not been reported in the literature in individuals affected with SYNE2-related conditions. This variant is not present in population databases (gnomAD no frequency). This sequence change replaces proline, which is neutral and non-polar, with leucine, which is neutral and non-polar, at codon 6796 of the SYNE2 protein (p.Pro6796Leu).

NM_182914.3(SYNE2):c.20387C>T (p.Pro6796Leu)

Gene: SYNE2 (spectrin repeat containing nuclear envelope protein 2; plus strand). Cytogenetic location: 14q23.2.
Variant type: single nucleotide variant.
Coding change: c.20387C>T on transcript NM_182914.3 (MANE Select); coding-DNA position 20387, C replaced by T.
Protein change: p.Pro6796Leu; replaces proline 6796 with leucine.
Molecular consequence: missense variant.
Genome position (GRCh38, 1-based): chr14:64,224,465, C>T. VCF-style: chr14-64224465-C-T. GRCh37 (hg19) VCF-style: chr14-64691183-C-T.
Other names: c.20318C>T, p.Pro6773Leu (NM_015180.6); c.953C>T, p.Pro318Leu (NM_182910.2); c.1331C>T, p.Pro444Leu (NM_182913.4); short protein forms P444L, P6796L, P318L, P6773L.
Identifiers: ClinVar variation 2168424 (VCV002168424.4), dbSNP rs2098709265, ClinGen allele CA389980457.